The following is an entry in ClinVar:

NM_005419.4(STAT2):c.281T>C (p.Ile94Thr)

Gene: STAT2 (signal transducer and activator of transcription 2; minus strand). Cytogenetic location: 12q13.3.
Variant type: single nucleotide variant.
Coding change: c.281T>C on transcript NM_005419.4 (MANE Select); coding-DNA position 281, T replaced by C.
Protein change: p.Ile94Thr; replaces isoleucine 94 with threonine.
Molecular consequence: missense variant.
Genome position (GRCh38, 1-based): chr12:56,356,136, A>G on the plus strand (T>C on the coding strand, the complement: STAT2 is on the minus strand). VCF-style: chr12-56356136-A-G. GRCh37 (hg19) VCF-style: chr12-56749920-A-G.
Other names: c.281T>C, p.Ile94Thr (NM_001385110.1, NM_001385111.1, NM_001385113.1 and 3 more transcripts); short protein forms I94T.
Identifiers: ClinVar variation 2121428 (VCV002121428.3), dbSNP rs1340098251, ClinGen allele CA385263699.

ClinVar aggregate classification (germline): Uncertain significance (1 of 4 stars; one submission).

Conditions:
Primary immunodeficiency with post-measles-mumps-rubella vaccine viral infection. Also called: Immunodeficiency 44. Identifiers: Orphanet 431166, MedGen C4225260, MONDO:0014715, OMIM 616636.

Allele frequency attached by ClinVar (database versions not stated): gnomAD exomes below 0.00001; gnomAD 0.00001.
gnomAD v4.1: 2 of 1,613,660 alleles (0.00012%); highest among the groups gnomAD compares: Non-Finnish European, 0.00017%; no homozygotes.

Submission:

Labcorp Genetics (formerly Invitae), Labcorp
Classification: Uncertain significance for Primary immunodeficiency with post-measles-mumps-rubella vaccine viral infection. Last evaluated: 2022-04-04. Review status: criteria provided, single submitter. Criteria: Invitae Variant Classification Sherloc (09022015). Collection method: clinical testing. Allele origin: germline.
Comment: In summary, the available evidence is currently insufficient to determine the role of this variant in disease. Therefore, it has been classified as a Variant of Uncertain Significance. Advanced modeling of protein sequence and biophysical properties (such as structural, functional, and spatial information, amino acid conservation, physicochemical variation, residue mobility, and thermodynamic stability) performed at Invitae indicates that this missense variant is expected to disrupt STAT2 protein function. This variant has not been reported in the literature in individuals affected with STAT2-related conditions. This variant is present in population databases (no rsID available, gnomAD 0.007%). This sequence change replaces isoleucine, which is neutral and non-polar, with threonine, which is neutral and polar, at codon 94 of the STAT2 protein (p.Ile94Thr).